The following is an entry in ClinVar:

ClinVar aggregate classification (germline): Uncertain significance (1 of 4 stars; one submission).

Conditions:
Inborn genetic diseases. Identifiers: MedGen C0950123, MeSH D030342.

Submission:

Ambry Genetics
Classification: Uncertain significance for Inborn genetic diseases. Last evaluated: 2020-06-22. Review status: criteria provided, single submitter. Criteria: Ambry Variant Classification Scheme 2023. Collection method: clinical testing. Allele origin: germline.
Comment: The p.A9V variant (also known as c.26C>T), located in coding exon 1 of the CHCHD10 gene, results from a C to T substitution at nucleotide position 26. The alanine at codon 9 is replaced by valine, an amino acid with similar properties. This amino acid position is not well conserved in available vertebrate species. In addition, this alteration is predicted to be tolerated by in silico analysis. Since supporting evidence is limited at this time, the clinical significance of this alteration remains unclear.

NM_213720.3(CHCHD10):c.26C>T (p.Ala9Val)

Gene: CHCHD10 (coiled-coil-helix-coiled-coil-helix domain containing 10; minus strand). Cytogenetic location: 22q11.23.
Variant type: single nucleotide variant.
Coding change: c.26C>T on transcript NM_213720.3 (MANE Select); coding-DNA position 26, C replaced by T.
Protein change: p.Ala9Val; replaces alanine 9 with valine.
Molecular consequence: missense variant. On other transcripts: non-coding transcript variant (2).
Genome position (GRCh38, 1-based): chr22:23,767,849, G>A on the plus strand (C>T on the coding strand, the complement: CHCHD10 is on the minus strand). VCF-style: chr22-23767849-G-A. GRCh37 (hg19) VCF-style: chr22-24110036-G-A.
Other names: c.26C>T, p.Ala9Val (NM_001301339.2); short protein forms A9V.
Identifiers: ClinVar variation 1794902 (VCV001794902.2), dbSNP rs2517624838, ClinGen allele CA410917453.